The following is an entry in ClinVar:

NM_000363.5(TNNI3):c.283-13G>T

Gene: TNNI3 (troponin I3, cardiac type; minus strand). Cytogenetic location: 19q13.42.
Variant type: single nucleotide variant.
Coding change: c.283-13G>T on transcript NM_000363.5 (MANE Select); 13 bases into the intron before coding-DNA position 283, G replaced by T.
Molecular consequence: intron variant.
Genome position (GRCh38, 1-based): chr19:55,154,843, C>A on the plus strand (G>T on the coding strand, the complement: TNNI3 is on the minus strand). VCF-style: chr19-55154843-C-A. GRCh37 (hg19) VCF-style: chr19-55666211-C-A.
Identifiers: ClinVar variation 918189 (VCV000918189.4), dbSNP rs552152124, ClinGen allele CA633871272.

ClinVar aggregate classification (germline): Likely benign. Review status: criteria provided, multiple submitters, no conflicts (2 of 4 stars). 3 submissions from 3 submitters: Likely benign (3). Last evaluated 2025-12-24.

Conditions:
Hypertrophic cardiomyopathy. Also called: HYPERTROPHIC MYOCARDIOPATHY. Identifiers: Orphanet 217569, MedGen C0007194, MeSH D002312, MONDO:0005045, HP:0001639.
Cardiomyopathy (CMYO). Also called: Cardiomyopathies. Identifiers: Orphanet 167848, MedGen C0878544, MONDO:0004994, HP:0001638. Inheritance: Various modes of inheritance.

Submissions (3):

Labcorp Genetics (formerly Invitae), Labcorp
Classification: Likely benign for Hypertrophic cardiomyopathy. Last evaluated: 2025-12-24. Review status: criteria provided, single submitter. Criteria: Invitae Variant Classification Sherloc (09022015). Collection method: clinical testing. Allele origin: germline.

All of Us Research Program, National Institutes of Health
Classification: Likely benign for Hypertrophic cardiomyopathy. Last evaluated: 2023-12-13. Review status: criteria provided, single submitter. Criteria: ACMG Guidelines, 2015. Collection method: clinical testing. Allele origin: germline. Inheritance: Autosomal dominant inheritance. Observed: 2 variant alleles, 2 heterozygotes.
Comment: This study involves interpretation of variants in research participants for the purpose of population health screening. Participant phenotype was not available at the time of variant classification. Additional details can be found in publication PMID: 35346344, PMCID: PMC8962531

Color Diagnostics, LLC DBA Color Health
Classification: Likely benign for Cardiomyopathy. Last evaluated: 2018-11-16. Review status: criteria provided, single submitter. Criteria: ACMG Guidelines, 2015. Collection method: clinical testing. Allele origin: germline.